The following is an entry in ClinVar:

ClinVar aggregate classification (germline): Uncertain significance. Review status: criteria provided, multiple submitters, no conflicts (2 of 4 stars). 3 submissions from 3 submitters: Uncertain significance (3). Last evaluated 2025-07-02.

Conditions:
Cardiovascular phenotype. Identifiers: MedGen CN230736.
Brugada syndrome. Also called: Sudden unexpected nocturnal death syndrome; Sudden unexplained nocturnal death syndrome; Sudden Unexplained Death Syndrome; Sudden Unexplained Nocturnal Death Syndrome (SUNDS). Identifiers: Orphanet 130, MedGen C1142166, MONDO:0015263.
Episodic pain syndrome, familial, 2 (FEPS2). Identifiers: Orphanet 306577, MedGen C3809893, MONDO:0014246, OMIM 615551.

Allele frequency attached by ClinVar (database versions not stated): gnomAD exomes 0.00002 and 0.00003; ExAC 0.00003; TOPMed 0.00003; gnomAD 0.00004; ESP Exome Variant Server 0.00008.
gnomAD v4.1: 35 of 1,614,062 alleles (0.0022%); highest among the groups gnomAD compares: East Asian, 0.0067%; no homozygotes.

Submissions (3):

Labcorp Genetics (formerly Invitae), Labcorp
Classification: Uncertain significance for Brugada syndrome. Last evaluated: 2025-07-02. Review status: criteria provided, single submitter. Criteria: Invitae Variant Classification Sherloc (09022015). Collection method: clinical testing. Allele origin: germline.
Comment: This sequence change replaces arginine, which is basic and polar, with cysteine, which is neutral and slightly polar, at codon 1594 of the SCN10A protein (p.Arg1594Cys). This variant is present in population databases (rs373347787, gnomAD 0.01%). This missense change has been observed in individual(s) with sudden infant death syndrome (SIDS) (PMID: 28074886). ClinVar contains an entry for this variant (Variation ID: 1002301). Invitae Evidence Modeling of protein sequence and biophysical properties (such as structural, functional, and spatial information, amino acid conservation, physicochemical variation, residue mobility, and thermodynamic stability) indicates that this missense variant is expected to disrupt SCN10A protein function with a positive predictive value of 80%. In summary, the available evidence is currently insufficient to determine the role of this variant in disease. Therefore, it has been classified as a Variant of Uncertain Significance.

Ambry Genetics
Classification: Uncertain significance for Cardiovascular phenotype. Last evaluated: 2024-05-26. Review status: criteria provided, single submitter. Criteria: Ambry Variant Classification Scheme 2023. Collection method: clinical testing. Allele origin: germline.
Comment: The p.R1594C variant (also known as c.4780C>T), located in coding exon 27 of the SCN10A gene, results from a C to T substitution at nucleotide position 4780. The arginine at codon 1594 is replaced by cysteine, an amino acid with highly dissimilar properties. This variant has been detected in a sudden infant death syndrome cohort (Neubauer J et al. Eur J Hum Genet, 2017 04;25:404-409). This amino acid position is highly conserved in available vertebrate species. In addition, this alteration is predicted to be deleterious by in silico analysis. Since supporting evidence is limited at this time, the clinical significance of this alteration remains unclear.

Fulgent Genetics
Classification: Uncertain significance for Episodic pain syndrome, familial, 2. Last evaluated: 2021-12-21. Review status: criteria provided, single submitter. Criteria: ACMG Guidelines, 2015. Collection method: clinical testing. Allele origin: unknown.

Literature cited by the submitters: PubMed 28074886 (cited by Labcorp Genetics (formerly Invitae), Labcorp and Ambry Genetics).

NM_006514.4(SCN10A):c.4780C>T (p.Arg1594Cys)

Gene: SCN10A (sodium voltage-gated channel alpha subunit 10; minus strand). Cytogenetic location: 3p22.2.
Variant type: single nucleotide variant.
Coding change: c.4780C>T on transcript NM_006514.4 (MANE Select); coding-DNA position 4780, C replaced by T.
Protein change: p.Arg1594Cys; replaces arginine 1594 with cysteine.
Molecular consequence: missense variant.
Genome position (GRCh38, 1-based): chr3:38,698,440, G>A on the plus strand (C>T on the coding strand, the complement: SCN10A is on the minus strand). VCF-style: chr3-38698440-G-A. GRCh37 (hg19) VCF-style: chr3-38739931-G-A.
Other names: c.4777C>T, p.Arg1593Cys (NM_001293306.2); c.4486C>T, p.Arg1496Cys (NM_001293307.2); short protein forms R1496C, R1593C, R1594C.
Identifiers: ClinVar variation 1002301 (VCV001002301.9), dbSNP rs373347787, ClinGen allele CA2319809.